The following is an entry in ClinVar:

NM_020458.4(TTC7A):c.1957A>G (p.Thr653Ala)

Gene: TTC7A (tetratricopeptide repeat domain 7A; plus strand). Cytogenetic location: 2p21.
Variant type: single nucleotide variant.
Coding change: c.1957A>G on transcript NM_020458.4 (MANE Select); coding-DNA position 1957, A replaced by G.
Protein change: p.Thr653Ala; replaces threonine 653 with alanine.
Molecular consequence: missense variant.
Genome position (GRCh38, 1-based): chr2:47,049,986, A>G. VCF-style: chr2-47049986-A-G. GRCh37 (hg19) VCF-style: chr2-47277125-A-G.
Other names: c.1957A>G, p.Thr653Ala (LRG_1323t1); c.1957A>G (NM_020458.2); c.2029A>G, p.Thr677Ala (NM_001288951.2); c.1855A>G, p.Thr619Ala (NM_001288953.2); c.895A>G, p.Thr299Ala (NM_001288955.2); short protein forms T299A, T619A, T653A, T677A.
Identifiers: ClinVar variation 644890 (VCV000644890.11), dbSNP rs113303079, ClinGen allele CA1647949.

ClinVar aggregate classification (germline): Uncertain significance. Review status: criteria provided, multiple submitters, no conflicts (2 of 4 stars). 4 submissions from 4 submitters: Uncertain significance (4). Last evaluated 2026-05-15.

Conditions:
Multiple gastrointestinal atresias. Also called: Multiple intestinal atresia; FAMILIAL INTESTINAL POLYATRESIA SYNDROME. Identifiers: Orphanet 2300, MedGen C0220744, MONDO:0009465.
TTC7A-related disorder. Also called: TTC7A-related condition.
Gastrointestinal defects and immunodeficiency syndrome 1 (GIDID1). Also called: Combined immunodeficiency-enteropathy spectrum. Identifiers: Orphanet 436252, MedGen C5968858, MONDO:0800030, OMIM 243150.
Inborn genetic diseases. Identifiers: MedGen C0950123, MeSH D030342.

Allele frequency attached by ClinVar (database versions not stated): gnomAD exomes 0.00002 and 0.00004; ExAC 0.00009; gnomAD 0.00023 and 0.00025; TOPMed 0.00030; ESP Exome Variant Server 0.00046.
gnomAD v4.1: 102 of 1,614,108 alleles (0.0063%); highest among the groups gnomAD compares: African/African-American, 0.084%; no homozygotes.

Submissions (4):

PreventionGenetics, part of Exact Sciences
Classification: Uncertain significance for TTC7A-related condition. Last evaluated: 2026-05-15. Review status: criteria provided, single submitter. Criteria: ACMG Guidelines, 2015. Collection method: clinical testing. Allele origin: germline.
Comment: The TTC7A c.1957A>G variant is predicted to result in the amino acid substitution p.Thr653Ala. To our knowledge, this variant has not been reported in the literature. This variant is reported in 0.068% of alleles in individuals of African descent in gnomAD. At this time, the clinical significance of this variant is uncertain due to the absence of conclusive functional and genetic evidence.

Labcorp Genetics (formerly Invitae), Labcorp
Classification: Uncertain significance for Multiple gastrointestinal atresias. Last evaluated: 2023-08-04. Review status: criteria provided, single submitter. Criteria: Invitae Variant Classification Sherloc (09022015). Collection method: clinical testing. Allele origin: germline.
Comment: In summary, the available evidence is currently insufficient to determine the role of this variant in disease. Therefore, it has been classified as a Variant of Uncertain Significance. Advanced modeling of protein sequence and biophysical properties (such as structural, functional, and spatial information, amino acid conservation, physicochemical variation, residue mobility, and thermodynamic stability) performed at Invitae indicates that this missense variant is not expected to disrupt TTC7A protein function. This sequence change replaces threonine, which is neutral and polar, with alanine, which is neutral and non-polar, at codon 653 of the TTC7A protein (p.Thr653Ala). This variant is present in population databases (rs113303079, gnomAD 0.08%). This variant has not been reported in the literature in individuals affected with TTC7A-related conditions. ClinVar contains an entry for this variant (Variation ID: 644890).

Revvity Omics, Revvity
Classification: Uncertain significance for Gastrointestinal defects and immunodeficiency syndrome 1. Last evaluated: 2023-01-25. Review status: criteria provided, single submitter. Criteria: ACMG Guidelines, 2015. Collection method: clinical testing. Allele origin: germline.

Ambry Genetics
Classification: Uncertain significance for Inborn genetic diseases. Last evaluated: 2021-09-16. Review status: criteria provided, single submitter. Criteria: Ambry Variant Classification Scheme 2023. Collection method: clinical testing. Allele origin: germline.